The following is an entry in ClinVar:

ClinVar aggregate classification (germline): Benign. Review status: criteria provided, multiple submitters, no conflicts (2 of 4 stars). 2 submissions from 2 submitters: Benign (2). Last evaluated 2018-01-13.

Conditions:
Alport syndrome. Also called: Hemorrhagic familial nephritis; Hemorrhagic hereditary nephritis; Congenital hereditary hematuria. Identifiers: Orphanet 63, MedGen C1567741, MONDO:0018965.

Allele frequency attached by ClinVar (database versions not stated): TOPMed 0.99997; gnomAD 0.99998; 1000 Genomes Project 1.00000; 1000 Genomes Project 30x 1.00000; gnomAD exomes 1.00000.
gnomAD v4.1: 152,813 of 152,816 alleles (100%); highest among the groups gnomAD compares: Non-Finnish European, 100%; 76,405 homozygotes.

Submissions (2):

Illumina Laboratory Services, Illumina
Classification: Benign for Alport syndrome. Last evaluated: 2018-01-13. Review status: criteria provided, single submitter. Criteria: ICSL Variant Classification Criteria 13 December 2019. Collection method: clinical testing. Allele origin: germline.
Comment: This variant was observed in the ICSL laboratory as part of a predisposition screen in an ostensibly healthy population. It had not been previously curated by ICSL or reported in the Human Gene Mutation Database (HGMD: prior to June 1st, 2018), and was therefore a candidate for classification through an automated scoring system. Utilizing variant allele frequency, disease prevalence and penetrance estimates, and inheritance mode, an automated score was calculated to assess if this variant is too frequent to cause the disease. Based on the score and internal cut-off values, a variant classified as benign is not then subjected to further curation. The score for this variant resulted in a classification of benign for this disease.

Breakthrough Genomics
Classification: Benign. Review status: criteria provided, single submitter. Criteria: ACMG Guidelines, 2015. Collection method: not provided. Allele origin: germline. Inheritance: Autosomal recessive inheritance. Affected: yes.

NM_000091.5(COL4A3):c.*2194A>C

Genes: COL4A3 (collagen type IV alpha 3 chain; plus strand), MFF-DT (MFF divergent transcript; minus strand). Cytogenetic location: 2q36.3.
Variant type: single nucleotide variant.
Coding change: c.*2194A>C on transcript NM_000091.5 (MANE Select); 2194 bases downstream of the stop codon, A replaced by C.
Molecular consequence: 3 prime UTR variant.
Genome position (GRCh38, 1-based): chr2:227,314,064, A>C. VCF-style: chr2-227314064-A-C. GRCh37 (hg19) VCF-style: chr2-228178780-A-C.
Identifiers: ClinVar variation 334821 (VCV000334821.6), dbSNP rs7567291, ClinGen allele CA10612692.